The following is an entry in ClinVar:

NM_001164508.2(NEB):c.24115G>T (p.Val8039Leu)

Genes: NEB (nebulin; minus strand), RIF1 (replication timing regulatory factor 1; plus strand). Cytogenetic location: 2q23.3.
Variant type: single nucleotide variant.
Coding change: c.24115G>T on transcript NM_001164508.2 (MANE Select); coding-DNA position 24115, G replaced by T.
Protein change: p.Val8039Leu; replaces valine 8039 with leucine.
Molecular consequence: missense variant. On other transcripts: intron variant (1).
Genome position (GRCh38, 1-based): chr2:151,498,352, C>A on the plus strand (G>T on the coding strand, the complement: NEB is on the minus strand). VCF-style: chr2-151498352-C-A. GRCh37 (hg19) VCF-style: chr2-152354866-C-A.
Other names: c.24115G>T, p.Val8039Leu (NM_001164507.2); c.24220G>T, p.Val8074Leu (NM_001271208.2); c.18826-1984G>T (NM_004543.5); short protein forms V8039L, V8074L.
Identifiers: ClinVar variation 850815 (VCV000850815.6), dbSNP rs1037262755, ClinGen allele CA57669489.
Genomic context (GRCh38, chr2:151,498,352, plus strand): 5'-TCTGCATCTCAGGAGTGATGGGGATTGGAATTCCTGTCCCCAGGTTTTCTTTGTATAGCA[C>A]CTGTATGATGAGAAAGCATCCAGAACAAAAAAAGCAATCAATCAGTCATTTTCCCCCTGC-3'
Protein context (NP_001157980.2, residues 8029-8049): VKHNQENFSS[Val8039Leu]LYKENLGTGI

ClinVar aggregate classification (germline): Uncertain significance. Review status: criteria provided, single submitter (1 of 4 stars). 2 submissions from 2 submitters: Uncertain significance (1). 1 of the submissions does not count toward it. Last evaluated 2024-11-28.

Conditions:
Nemaline myopathy 2 (NEM2). Also called: Nemaline myopathy 2, autosomal recessive. Identifiers: MedGen C1850569, MONDO:0009725, OMIM 256030.

Allele frequency attached by ClinVar (database versions not stated): gnomAD 0.00001; gnomAD exomes 0.00001 and 0.00002; TOPMed 0.00003.
gnomAD v4.1: 32 of 1,543,410 alleles (0.0021%); highest among the groups gnomAD compares: Middle Eastern, 0.05%; no homozygotes.

Submissions (2):

Labcorp Genetics (formerly Invitae), Labcorp
Classification: Uncertain significance for Nemaline myopathy 2. Last evaluated: 2024-11-28. Review status: criteria provided, single submitter. Criteria: Invitae Variant Classification Sherloc (09022015). Collection method: clinical testing. Allele origin: germline.
Comment: This sequence change replaces valine, which is neutral and non-polar, with leucine, which is neutral and non-polar, at codon 8074 of the NEB protein (p.Val8074Leu). This variant is present in population databases (no rsID available, gnomAD 0.002%). This variant has not been reported in the literature in individuals affected with NEB-related conditions. ClinVar contains an entry for this variant (Variation ID: 850815). Experimental studies and prediction algorithms are not available or were not evaluated, and the functional significance of this variant is currently unknown. Algorithms developed to predict the effect of sequence changes on RNA splicing suggest that this variant may disrupt the consensus splice site. In summary, the available evidence is currently insufficient to determine the role of this variant in disease. Therefore, it has been classified as a Variant of Uncertain Significance.

Natera, Inc.
Classification: Uncertain significance for Nemaline myopathy type 2. Last evaluated: 2020-09-16. Review status: no assertion criteria provided. Collection method: clinical testing. Allele origin: germline. Not counted in ClinVar's aggregate classification.